The following is an entry in ClinVar:

ClinVar aggregate classification (germline): Uncertain significance (1 of 4 stars; one submission).

Conditions:
Alstrom syndrome (ALMS). Identifiers: Orphanet 64, MedGen C0268425, MONDO:0008763, OMIM 203800.

Submission:

Labcorp Genetics (formerly Invitae), Labcorp
Classification: Uncertain significance for Alstrom syndrome. Last evaluated: 2022-05-12. Review status: criteria provided, single submitter. Criteria: Invitae Variant Classification Sherloc (09022015). Collection method: clinical testing. Allele origin: germline.
Comment: In summary, the available evidence is currently insufficient to determine the role of this variant in disease. Therefore, it has been classified as a Variant of Uncertain Significance. Experimental studies and prediction algorithms are not available or were not evaluated, and the functional significance of this variant is currently unknown. This variant has not been reported in the literature in individuals affected with ALMS1-related conditions. This variant is not present in population databases (gnomAD no frequency). This sequence change replaces threonine, which is neutral and polar, with proline, which is neutral and non-polar, at codon 690 of the ALMS1 protein (p.Thr690Pro).

NM_001378454.1(ALMS1):c.2065A>C (p.Thr689Pro)

Gene: ALMS1 (ALMS1 centrosome and basal body associated protein; plus strand). Cytogenetic location: 2p13.1.
Variant type: single nucleotide variant.
Coding change: c.2065A>C on transcript NM_001378454.1 (MANE Select); coding-DNA position 2065, A replaced by C.
Protein change: p.Thr689Pro; replaces threonine 689 with proline.
Molecular consequence: missense variant.
Genome position (GRCh38, 1-based): chr2:73,448,592, A>C. VCF-style: chr2-73448592-A-C. GRCh37 (hg19) VCF-style: chr2-73675719-A-C.
Other names: c.2068A>C, p.Thr690Pro (NM_015120.4); short protein forms T690P, T689P.
Identifiers: ClinVar variation 1988813 (VCV001988813.4), dbSNP rs201804994, ClinGen allele CA347266523.
Genomic context (GRCh38, chr2:73,448,592, plus strand): 5'-CACTCACATGTAGAGGACCTCCTCTTTTTCTATCGACAGACCTTGCCAGATGGTCATCTA[A>C]CTGATCAGGCTCTGAAAGTCTCAGCTGTGTCTGGACCAGCTGACCAGAAGACTGGGACAG-3'
Protein context (NP_001365383.1, residues 679-699): YRQTLPDGHL[Thr689Pro]DQALKVSAVS